The following is an entry in ClinVar:

NM_000620.5(NOS1):c.2601C>T (p.Pro867=)

Gene: NOS1 (nitric oxide synthase 1; minus strand). Cytogenetic location: 12q24.22.
Variant type: single nucleotide variant.
Coding change: c.2601C>T on transcript NM_000620.5 (MANE Select); coding-DNA position 2601, C replaced by T.
Protein change: p.Pro867=; no amino-acid change (proline 867 retained).
Molecular consequence: synonymous variant.
Genome position (GRCh38, 1-based): chr12:117,253,685, G>A on the plus strand (C>T on the coding strand, the complement: NOS1 is on the minus strand). VCF-style: chr12-117253685-G-A. GRCh37 (hg19) VCF-style: chr12-117691490-G-A.
Other names: c.1593C>T, p.Pro531= (NM_001204213.2, NM_001204214.2); c.2703C>T, p.Pro901= (NM_001204218.2).
Identifiers: ClinVar variation 3055936 (VCV003055936.2), dbSNP rs9658446, ClinGen allele CA6814743.

ClinVar aggregate classification (germline): Benign (0 of 4 stars; one submission).

Conditions:
NOS1-related disorder. Also called: NOS1-related condition.

Allele frequency attached by ClinVar (database versions not stated): gnomAD exomes 0.00710; ExAC 0.01358; gnomAD 0.02613; ESP Exome Variant Server 0.02857; TOPMed 0.02943; 1000 Genomes Project 0.03255; 1000 Genomes Project 30x 0.03482.
gnomAD v4.1: 14,583 of 1,613,904 alleles (0.9%); highest among the groups gnomAD compares: African/African-American, 7.9%; 320 homozygotes.

Submission:

PreventionGenetics, part of Exact Sciences
Classification: Benign for NOS1-related condition. Last evaluated: 2019-02-16. Review status: no assertion criteria provided. Collection method: clinical testing. Allele origin: germline.
Comment: This variant is classified as benign based on ACMG/AMP sequence variant interpretation guidelines (Richards et al. 2015 PMID: 25741868, with internal and published modifications).